The following is an entry in ClinVar:

NM_144701.3(IL23R):c.1777G>A (p.Glu593Lys)

Gene: IL23R (interleukin 23 receptor; plus strand). Cytogenetic location: 1p31.3.
Variant type: single nucleotide variant.
Coding change: c.1777G>A on transcript NM_144701.3 (MANE Select); coding-DNA position 1777, G replaced by A.
Protein change: p.Glu593Lys; replaces glutamic acid 593 with lysine.
Molecular consequence: missense variant.
Genome position (GRCh38, 1-based): chr1:67,259,015, G>A. VCF-style: chr1-67259015-G-A. GRCh37 (hg19) VCF-style: chr1-67724698-G-A.
Other names: c.1777G>A (NM_144701.2); short protein forms E593K.
Identifiers: ClinVar variation 1419964 (VCV001419964.11), dbSNP rs200877860, ClinGen allele CA900053.

ClinVar aggregate classification (germline): Conflicting classifications of pathogenicity. Review status: criteria provided, conflicting classifications (1 of 4 stars). 2 submissions from 2 submitters: Uncertain significance (1); Likely benign (1). Last evaluated 2026-06-01.

Allele frequency attached by ClinVar (database versions not stated): gnomAD exomes 0.00001 and 0.00002; ExAC 0.00002; TOPMed 0.00003; gnomAD 0.00004.
gnomAD v4.1: 28 of 1,613,902 alleles (0.0017%); highest among the groups gnomAD compares: Non-Finnish European, 0.0023%; no homozygotes.

Submissions (2):

CeGaT Center for Human Genetics Tuebingen
Classification: Likely benign. Last evaluated: 2026-06-01. Review status: criteria provided, single submitter. Criteria: CeGaT Center For Human Genetics Tuebingen Variant Classification Criteria Version 2. Collection method: clinical testing. Allele origin: germline. Affected: yes. Observed: 1 variant allele.
Comment: IL23R: BP4

Labcorp Genetics (formerly Invitae), Labcorp
Classification: Uncertain significance. Last evaluated: 2025-10-08. Review status: criteria provided, single submitter. Criteria: Invitae Variant Classification Sherloc (09022015). Collection method: clinical testing. Allele origin: germline.
Comment: This sequence change replaces glutamic acid, which is acidic and polar, with lysine, which is basic and polar, at codon 593 of the IL23R protein (p.Glu593Lys). This variant is present in population databases (rs200877860, gnomAD 0.004%). This variant has not been reported in the literature in individuals affected with IL23R-related conditions. ClinVar contains an entry for this variant (Variation ID: 1419964). An algorithm developed to predict the effect of missense changes on protein structure and function (PolyPhen-2) suggests that this variant is likely to be tolerated. In summary, the available evidence is currently insufficient to determine the role of this variant in disease. Therefore, it has been classified as a Variant of Uncertain Significance.